The following is an entry in ClinVar:

NM_000219.6(KCNE1):c.374C>G (p.Thr125Arg)

Gene: KCNE1 (potassium voltage-gated channel subfamily E regulatory subunit 1; minus strand). Cytogenetic location: 21q22.12.
Variant type: single nucleotide variant.
Coding change: c.374C>G on transcript NM_000219.6 (MANE Select); coding-DNA position 374, C replaced by G.
Protein change: p.Thr125Arg; replaces threonine 125 with arginine.
Molecular consequence: missense variant.
Genome position (GRCh38, 1-based): chr21:34,449,261, G>C on the plus strand (C>G on the coding strand, the complement: KCNE1 is on the minus strand). VCF-style: chr21-34449261-G-C. GRCh37 (hg19) VCF-style: chr21-35821559-G-C.
Other names: c.374C>G, p.Thr125Arg (NM_001127668.4, NM_001127669.4, NM_001127670.4 and 4 more transcripts); short protein forms T125R.
Identifiers: ClinVar variation 3373853 (VCV003373853.2).

Conditions:
Long QT syndrome 5 (LQT5). Identifiers: Orphanet 101016, Orphanet 768, MedGen C1867904, MONDO:0013372, OMIM 613695.

Submission:

Roden Lab, Vanderbilt University Medical Center
No classification provided (evidence only). Condition: Long QT syndrome 5. Review status: no classification provided. Collection method: in vitro. Allele origin: not applicable. Functional consequence: Effect on ion channel function.
ClinVar note: "not provided" was previously submitted as the classification for the variant. However, the classification appeared to be based only on an observation of functional data so it was converted to no classification on 2025-07-30.